The following is an entry in ClinVar:

ClinVar aggregate classification (germline): Likely benign (1 of 4 stars; one submission).

Conditions:
Arrhythmogenic right ventricular cardiomyopathy (ARVD). Also called: Arrhythmogenic right ventricular dysplasia; Cardiomyopathy, ARVC; Arrhythmogenic cardiomyopathy; Arrhythmogenic Right Ventricular Cardiomyopathy (ARVC). Identifiers: Orphanet 247, MedGen C0349788, MeSH D019571, MONDO:0016587. Disease mechanism: loss of function. Inheritance: Various modes of inheritance.

Submission:

All of Us Research Program, National Institutes of Health
Classification: Likely benign for Arrhythmogenic right ventricular cardiomyopathy. Last evaluated: 2023-04-28. Review status: criteria provided, single submitter. Criteria: ACMG Guidelines, 2015. Collection method: clinical testing. Allele origin: germline. Inheritance: Autosomal dominant inheritance. Observed: 1 variant allele, 1 heterozygote.
Comment: This study involves interpretation of variants in research participants for the purpose of population health screening. Participant phenotype was not available at the time of variant classification. Additional details can be found in publication PMID: 35346344, PMCID: PMC8962531

NM_001943.5(DSG2):c.2520C>T (p.Cys840=)

Genes: DSG2 (desmoglein 2; plus strand), DSG2-AS1 (DSG2 antisense RNA 1; minus strand). Cytogenetic location: 18q12.1.
Variant type: single nucleotide variant.
Coding change: c.2520C>T on transcript NM_001943.5 (MANE Select); coding-DNA position 2520, C replaced by T.
Protein change: p.Cys840=; no amino-acid change (cysteine 840 retained).
Molecular consequence: synonymous variant. On other transcripts: non-coding transcript variant (1).
Genome position (GRCh38, 1-based): chr18:31,545,906, C>T. VCF-style: chr18-31545906-C-T. GRCh37 (hg19) VCF-style: chr18-29125869-C-T.
Identifiers: ClinVar variation 3070560 (VCV003070560.1), dbSNP rs2510922267, ClinGen allele CA503766248.